The following is an entry in ClinVar:

ClinVar aggregate classification (germline): Uncertain significance (1 of 4 stars; one submission).

Conditions:
Gorlin syndrome. Also called: Nevoid Basal Cell Carcinoma Syndrome; Basal cell nevus syndrome. Identifiers: Orphanet 377, MedGen C0004779, MONDO:0007187.

Allele frequency attached by ClinVar (database versions not stated): gnomAD exomes below 0.00001.
gnomAD v4.1: 2 of 1,614,222 alleles (0.00012%); highest among the groups gnomAD compares: Non-Finnish European, 0.00017%; no homozygotes.

Submission:

Labcorp Genetics (formerly Invitae), Labcorp
Classification: Uncertain significance for Gorlin syndrome. Last evaluated: 2022-10-18. Review status: criteria provided, single submitter. Criteria: Invitae Variant Classification Sherloc (09022015). Collection method: clinical testing. Allele origin: germline.
Comment: This sequence change replaces methionine, which is neutral and non-polar, with leucine, which is neutral and non-polar, at codon 843 of the PTCH1 protein (p.Met843Leu). This variant is not present in population databases (gnomAD no frequency). This variant has not been reported in the literature in individuals affected with PTCH1-related conditions. Advanced modeling of protein sequence and biophysical properties (such as structural, functional, and spatial information, amino acid conservation, physicochemical variation, residue mobility, and thermodynamic stability) performed at Invitae indicates that this missense variant is not expected to disrupt PTCH1 protein function. In summary, the available evidence is currently insufficient to determine the role of this variant in disease. Therefore, it has been classified as a Variant of Uncertain Significance.

NM_000264.5(PTCH1):c.2527A>T (p.Met843Leu)

Genes: PTCH1 (patched 1; minus strand), LOC100507346 (uncharacterized LOC100507346; plus strand). Cytogenetic location: 9q22.32.
Variant type: single nucleotide variant.
Coding change: c.2527A>T on transcript NM_000264.5 (MANE Select); coding-DNA position 2527, A replaced by T.
Protein change: p.Met843Leu; replaces methionine 843 with leucine.
Molecular consequence: missense variant. On other transcripts: non-coding transcript variant (2).
Genome position (GRCh38, 1-based): chr9:95,467,149, T>A on the plus strand (A>T on the coding strand, the complement: PTCH1 is on the minus strand). VCF-style: chr9-95467149-T-A. GRCh37 (hg19) VCF-style: chr9-98229431-T-A.
Other names: c.2329A>T, p.Met777Leu (NM_001083602.3); c.2524A>T, p.Met842Leu (NM_001083603.3); c.2074A>T, p.Met692Leu (NM_001083604.3, NM_001083605.3, NM_001083606.3 and 1 more transcripts); c.2371A>T, p.Met791Leu (NM_001354918.2); short protein forms M777L, M843L, M842L, M791L, M692L.
Identifiers: ClinVar variation 1897746 (VCV001897746.2), dbSNP rs2117948248, ClinGen allele CA374113792.
Genomic context (GRCh38, chr9:95,467,149, plus strand): 5'-GGACGAGAGCCTCCCACGCCGTCTTACCCTGAAGCCAGTCTCTGAAGTAGTGCAGCCACA[T>A]TTTGGGAAGCTGTTTGTTTTCTTCCAACATGACATACTTCACGTTACTGAAACTCCTGTG-3'
Protein context (NP_000255.2, residues 833-853): MLEENKQLPK[Met843Leu]WLHYFRDWLQ